The following is an entry in ClinVar:

NM_001080442.3(SLC38A8):c.960G>A (p.Val320=)

Gene: SLC38A8 (solute carrier family 38 member 8; minus strand). Cytogenetic location: 16q23.3.
Variant type: single nucleotide variant.
Coding change: c.960G>A on transcript NM_001080442.3 (MANE Select); coding-DNA position 960, G replaced by A.
Protein change: p.Val320=; no amino-acid change (valine 320 retained).
Molecular consequence: synonymous variant.
Genome position (GRCh38, 1-based): chr16:84,016,721, C>T on the plus strand (G>A on the coding strand, the complement: SLC38A8 is on the minus strand). VCF-style: chr16-84016721-C-T. GRCh37 (hg19) VCF-style: chr16-84050326-C-T.
Identifiers: ClinVar variation 730914 (VCV000730914.5), dbSNP rs570034694, ClinGen allele CA8199859.
Genomic context (GRCh38, chr16:84,016,721, plus strand): 5'-GTCGGCCAGGGCGCTGGGCCCCCATCCCCCCAAGCAGCTCCTCCTCCAGAAGTCCTGCAT[C>T]ACTGACCTGGAGGCCACAGCCAACACAGACACATGGGCATCTCAGGGGCACCAGCCTCCA-3'
Protein context (NP_001073911.1, residues 310-330): YPIVLFLGRS[Val320=]MQDFWRRSCL

ClinVar aggregate classification (germline): Benign. Review status: criteria provided, single submitter (1 of 4 stars). 2 submissions from 2 submitters: Benign (1). 1 of the submissions does not count toward it. Last evaluated 2019-12-31.

Conditions:
SLC38A8-related disorder. Also called: SLC38A8-related condition.

Allele frequency attached by ClinVar (database versions not stated): 1000 Genomes Project 0.00220; TOPMed 0.00358; 1000 Genomes Project 30x 0.00187.
gnomAD v4.1: 922 of 1,612,124 alleles (0.057%); highest among the groups gnomAD compares: African/African-American, 1.1%; 10 homozygotes.

Submissions (2):

Labcorp Genetics (formerly Invitae), Labcorp
Classification: Benign. Last evaluated: 2019-12-31. Review status: criteria provided, single submitter. Criteria: Invitae Variant Classification Sherloc (09022015). Collection method: clinical testing. Allele origin: germline.

PreventionGenetics, part of Exact Sciences
Classification: Benign for SLC38A8-related condition. Last evaluated: 2024-08-27. Review status: no assertion criteria provided. Collection method: clinical testing. Allele origin: germline. Not counted in ClinVar's aggregate classification.
Comment: This variant is classified as benign based on ACMG/AMP sequence variant interpretation guidelines (Richards et al. 2015 PMID: 25741868, with internal and published modifications).